The following is an entry in ClinVar:

ClinVar aggregate classification (germline): Uncertain significance. Review status: criteria provided, multiple submitters, no conflicts (2 of 4 stars). 2 submissions from 2 submitters: Uncertain significance (2). Last evaluated 2020-10-15.

Conditions:
Epidermolysis bullosa simplex 5B, with muscular dystrophy (EBS5B). Also called: EPIDERMOLYSIS BULLOSA SIMPLEX AND LIMB-GIRDLE MUSCULAR DYSTROPHY; Epidermolysis bullosa simplex with muscular dystrophy. Identifiers: Orphanet 257, MedGen C2931072, MONDO:0009181, OMIM 226670.
Epidermolysis bullosa simplex, Ogna type (EBS5A). Also called: Pidermolysis bullosa simplex 5A, Ogna type; EPIDERMOLYSIS BULLOSA SIMPLEX 5A, OGNA TYPE. Identifiers: Orphanet 79401, MedGen C0432317, MONDO:0007555, OMIM 131950.
Autosomal recessive limb-girdle muscular dystrophy type 2Q (LGMDR17). Also called: MUSCULAR DYSTROPHY, LIMB-GIRDLE, AUTOSOMAL RECESSIVE 17. Identifiers: Orphanet 254361, MedGen C3150989, MONDO:0013390, OMIM 613723.
Epidermolysis bullosa simplex with nail dystrophy (EBS5D). Identifiers: MedGen C4225309, MONDO:0014661, OMIM 616487.
Epidermolysis bullosa simplex 5C, with pyloric atresia (EBS5C). Also called: PLEC-Related Epidermolysis Bullosa with Pyloric Atresia; Epidermolysis bullosa simplex with pyloric atresia; PLEC1-Related Epidermolysis Bullosa with Pyloric Atresia. Identifiers: Orphanet 158684, MedGen C2677349, MONDO:0012807, OMIM 612138.

Submissions (2):

Labcorp Genetics (formerly Invitae), Labcorp
Classification: Uncertain significance for Autosomal recessive limb-girdle muscular dystrophy type 2Q; Epidermolysis bullosa simplex, Ogna type; Epidermolysis bullosa simplex with nail dystrophy; Epidermolysis bullosa simplex 5C, with pyloric atresia; Epidermolysis bullosa simplex 5B, with muscular dystrophy. Last evaluated: 2020-10-15. Review status: criteria provided, single submitter. Criteria: Invitae Variant Classification Sherloc (09022015). Collection method: clinical testing. Allele origin: germline.
Comment: This variant is not present in population databases (ExAC no frequency). This variant has not been reported in the literature in individuals with PLEC-related conditions. ClinVar contains an entry for this variant (Variation ID: 436333). Algorithms developed to predict the effect of missense changes on protein structure and function are either unavailable or do not agree on the potential impact of this missense change (SIFT: "Deleterious"; PolyPhen-2: "Not Available"; Align-GVGD: "Class C0"). Algorithms developed to predict the effect of sequence changes on RNA splicing suggest that this variant may create or strengthen a splice site, but this prediction has not been confirmed by published transcriptional studies. In summary, the available evidence is currently insufficient to determine the role of this variant in disease. Therefore, it has been classified as a Variant of Uncertain Significance. This sequence change replaces methionine with valine at codon 185 of the PLEC protein (p.Met185Val). The methionine residue is highly conserved and there is a small physicochemical difference between methionine and valine.

Genetic Services Laboratory, University of Chicago
Classification: Uncertain significance. Last evaluated: 2016-05-05. Review status: criteria provided, single submitter. Criteria: ACMG Guidelines, 2015. Collection method: clinical testing. Allele origin: germline. Affected: no.

NM_201384.3(PLEC):c.472A>G (p.Met158Val)

Gene: PLEC (plectin; minus strand). Cytogenetic location: 8q24.3.
Variant type: single nucleotide variant.
Coding change: c.472A>G on transcript NM_201384.3 (MANE Select); coding-DNA position 472, A replaced by G.
Protein change: p.Met158Val; replaces methionine 158 with valine.
Molecular consequence: missense variant.
Genome position (GRCh38, 1-based): chr8:143,935,978, T>C on the plus strand (A>G on the coding strand, the complement: PLEC is on the minus strand). VCF-style: chr8-143935978-T-C. GRCh37 (hg19) VCF-style: chr8-145010146-T-C.
Other names: c.553A>G, p.Met185Val (NM_000445.5); c.430A>G, p.Met144Val (NM_201378.4); c.406A>G, p.Met136Val (NM_201379.3); c.883A>G, p.Met295Val (NM_201380.4); c.376A>G, p.Met126Val (NM_201381.3); c.472A>G, p.Met158Val (NM_201382.4); c.484A>G, p.Met162Val (NM_201383.3); short protein forms M126V, M136V, M144V, M158V, M162V, M185V, M295V.
Identifiers: ClinVar variation 436333 (VCV000436333.11), dbSNP rs1554722990, ClinGen allele CA372589132.
Genomic context (GRCh38, chr8:143,935,978, plus strand): 5'-GGCCCTGGTACCCCTCCACCATTCGCTGCGACCACAGCAGCAGCTTCTCCTTGGCCGTCA[T>C]GTCCTCCGACTGCCCACTCACCTGGATATCTGAGATCTGCTCACAGCAGAGAGGAGGCCA-3'
Protein context (NP_958786.1, residues 148-168): DIQVSGQSED[Met158Val]TAKEKLLLWS